The following is an entry in ClinVar:

NM_000245.4(MET):c.2269G>A (p.Gly757Arg)

Gene: MET (MET proto-oncogene, receptor tyrosine kinase; plus strand). Cytogenetic location: 7q31.2.
Variant type: single nucleotide variant.
Coding change: c.2269G>A on transcript NM_000245.4 (MANE Select); coding-DNA position 2269, G replaced by A.
Protein change: p.Gly757Arg; replaces glycine 757 with arginine.
Molecular consequence: missense variant.
Genome position (GRCh38, 1-based): chr7:116,759,395, G>A. VCF-style: chr7-116759395-G-A. GRCh37 (hg19) VCF-style: chr7-116399449-G-A.
Other names: c.2323G>A, p.Gly775Arg (NM_001127500.3); c.2269G>A, p.Gly757Arg (NM_001324401.3); c.979G>A, p.Gly327Arg (NM_001324402.2); short protein forms G327R, G757R, G775R.
Identifiers: ClinVar variation 4859967 (VCV004859967.1).
Genomic context (GRCh38, chr7:116,759,395, plus strand): 5'-AGTACTTGGTGGAAAGAACCTCTCAACATTGTCAGTTTTCTATTTTGCTTTGCCAGTGGT[G>A]GGAGCACAATAACAGGTGTTGGGAAAAACCTGAATTCAGTTAGTGTCCCGAGAATGGTCA-3'
Protein context (NP_000236.2, residues 747-767): IHPTKSFISG[Gly757Arg]STITGVGKNL

ClinVar aggregate classification (germline): Uncertain significance (1 of 4 stars; one submission).

Conditions:
Hereditary cancer-predisposing syndrome. Also called: Neoplastic Syndromes, Hereditary; Tumor predisposition; Hereditary Cancer Syndrome; Hereditary neoplastic syndrome. Identifiers: Orphanet 140162, MedGen C0027672, MeSH D009386, MONDO:0015356.

Submission:

Ambry Genetics
Classification: Uncertain significance for Hereditary cancer-predisposing syndrome. Last evaluated: 2026-04-13. Review status: criteria provided, single submitter. Criteria: Ambry Variant Classification Scheme 2023. Collection method: clinical testing. Allele origin: germline.
Comment: The p.G775R variant (also known as c.2323G>A), located in coding exon 9 of the MET gene, results from a G to A substitution at nucleotide position 2323. The glycine at codon 775 is replaced by arginine, an amino acid with dissimilar properties. This amino acid position is highly conserved in available vertebrate species. In addition, this alteration is predicted to be deleterious by in silico analysis. Based on the available evidence, the clinical significance of this variant remains unclear.